The following is an entry in ClinVar:

NM_014822.4(SEC24D):c.2361C>T (p.Asn787=)

Gene: SEC24D (SEC24 homolog D, COPII component; minus strand). Cytogenetic location: 4q26.
Variant type: single nucleotide variant.
Coding change: c.2361C>T on transcript NM_014822.4 (MANE Select); coding-DNA position 2361, C replaced by T.
Protein change: p.Asn787=; no amino-acid change (asparagine 787 retained).
Molecular consequence: synonymous variant.
Genome position (GRCh38, 1-based): chr4:118,739,165, G>A on the plus strand (C>T on the coding strand, the complement: SEC24D is on the minus strand). VCF-style: chr4-118739165-G-A. GRCh37 (hg19) VCF-style: chr4-119660320-G-A.
Other names: c.2364C>T, p.Asn788= (NM_001318066.2).
Identifiers: ClinVar variation 4813292 (VCV004813292.1).

ClinVar aggregate classification (germline): Likely pathogenic (1 of 4 stars; one submission).

Conditions:
Cole-Carpenter syndrome 2 (CLCRP2). Identifiers: Orphanet 2050, MedGen C4225382, MONDO:0014573, OMIM 616294.

Submission:

Ozbek Human Genetics Laboratory, Izmir Biomedicine and Genome Center
Classification: Likely pathogenic for Cole-Carpenter syndrome 2. Last evaluated: 2025-10-30. Review status: criteria provided, single submitter. Criteria: ACMG Guidelines, 2015. Collection method: research. Allele origin: unknown. Affected: yes. Observed: 1 variant allele, 1 homozygote.
Comment: A homozygous p.Asn787= missense variant was detected in exon 18 of the SEC24D gene. This variant is very rarely observed in population databases (PM2). RNAseq analysis demonstrated that this synonymous variant causes a splicing defect leading to the skipping of exon 18 (PS3). Based on this information, this variant is classified as likely pathogenic according to ACMG criteria. The SEC24D gene is associated with the "616294" syndrome in the OMIM database. It is thought that this variant can explain the skeletal dysplasia findings. Data obtained via the RAREBOOST project (Horizon 2020 ERA Chairs at Izmir Biomedicine and Genome Center - IBG)